The following is an entry in ClinVar:

NM_015046.7(SETX):c.5258T>C (p.Leu1753Ser)

Gene: SETX (senataxin; minus strand). Cytogenetic location: 9q34.13.
Variant type: single nucleotide variant.
Coding change: c.5258T>C on transcript NM_015046.7 (MANE Select); coding-DNA position 5258, T replaced by C.
Protein change: p.Leu1753Ser; replaces leucine 1753 with serine.
Molecular consequence: missense variant.
Genome position (GRCh38, 1-based): chr9:132,326,340, A>G on the plus strand (T>C on the coding strand, the complement: SETX is on the minus strand). VCF-style: chr9-132326340-A-G. GRCh37 (hg19) VCF-style: chr9-135201727-A-G.
Other names: c.5258T>C, p.Leu1753Ser (NM_001351527.2, NM_001351528.2); short protein forms L1753S.
Identifiers: ClinVar variation 2659650 (VCV002659650.24), dbSNP rs2539086178, ClinGen allele CA375321440.

ClinVar aggregate classification (germline): Uncertain significance (1 of 4 stars; one submission).

Submission:

CeGaT Center for Human Genetics Tuebingen
Classification: Uncertain significance. Last evaluated: 2022-09-01. Review status: criteria provided, single submitter. Criteria: CeGaT Center For Human Genetics Tuebingen Variant Classification Criteria Version 2. Collection method: clinical testing. Allele origin: germline. Affected: yes. Observed: 1 variant allele.
Comment: SETX: PM2